The following is an entry in ClinVar:

NM_182746.3(MCM4):c.1323_1324del (p.Ser442fs)

Gene: MCM4 (minichromosome maintenance complex component 4; plus strand). Cytogenetic location: 8q11.21.
Variant type: Deletion.
Coding change: c.1323_1324del on transcript NM_182746.3 (MANE Select); coding-DNA positions 1323 to 1324, 2 bases deleted (TT; older notation c.1323_1324delTT).
Protein change: p.Ser442fs; shifts the reading frame from serine 442.
Molecular consequence: frameshift variant.
Genome position (GRCh38, 1-based): chr8:47,969,946-47,969,947, TT deleted; deleting any 2 consecutive bases within chr8:47,969,942-47,969,947 gives the same sequence; the c. name uses the placement nearest the transcript's 3' end. VCF-style (leftmost placement, unchanged base first): chr8-47969941-CTT-C. GRCh37 (hg19) VCF-style: chr8-48882501-CTT-C.
Other names: c.1323_1324del, p.Ser442fs (NM_005914.4); short protein forms S442fs.
Identifiers: ClinVar variation 3603738 (VCV003603738.1).

ClinVar aggregate classification (germline): Uncertain significance (1 of 4 stars; one submission).

Submission:

Labcorp Genetics (formerly Invitae), Labcorp
Classification: Uncertain significance. Last evaluated: 2024-11-14. Review status: criteria provided, single submitter. Criteria: Invitae Variant Classification Sherloc (09022015). Collection method: clinical testing. Allele origin: germline.
Comment: This sequence change creates a premature translational stop signal (p.Ser442Argfs*8) in the MCM4 gene. It is expected to result in an absent or disrupted protein product. However, the current clinical and genetic evidence is not sufficient to establish whether loss-of-function variants in MCM4 cause disease. This variant is not present in population databases (gnomAD no frequency). This variant has not been reported in the literature in individuals affected with MCM4-related conditions. In summary, the available evidence is currently insufficient to determine the role of this variant in disease. Therefore, it has been classified as a Variant of Uncertain Significance.